The following is an entry in ClinVar:

NM_152594.3(SPRED1):c.605T>C (p.Leu202Ser)

Gene: SPRED1 (sprouty related EVH1 domain containing 1; plus strand). Cytogenetic location: 15q14.
Variant type: single nucleotide variant.
Coding change: c.605T>C on transcript NM_152594.3 (MANE Select); coding-DNA position 605, T replaced by C.
Protein change: p.Leu202Ser; replaces leucine 202 with serine.
Molecular consequence: missense variant.
Genome position (GRCh38, 1-based): chr15:38,349,444, T>C. VCF-style: chr15-38349444-T-C. GRCh37 (hg19) VCF-style: chr15-38641645-T-C.
Other names: short protein forms L202S.
Identifiers: ClinVar variation 445692 (VCV000445692.5), dbSNP rs1555392598, ClinGen allele CA391932814.

ClinVar aggregate classification (germline): Uncertain significance. Review status: criteria provided, multiple submitters, no conflicts (2 of 4 stars). 2 submissions from 2 submitters: Uncertain significance (2). Last evaluated 2024-04-24.

Conditions:
Legius syndrome. Identifiers: Orphanet 137605, MedGen C1969623, MONDO:0012669, OMIM 611431. Disease mechanism: loss of function.

Submissions (2):

Labcorp Genetics (formerly Invitae), Labcorp
Classification: Uncertain significance for Legius syndrome. Last evaluated: 2024-04-24. Review status: criteria provided, single submitter. Criteria: Invitae Variant Classification Sherloc (09022015). Collection method: clinical testing. Allele origin: germline.
Comment: This sequence change replaces leucine, which is neutral and non-polar, with serine, which is neutral and polar, at codon 202 of the SPRED1 protein (p.Leu202Ser). This variant is not present in population databases (gnomAD no frequency). This variant has not been reported in the literature in individuals affected with SPRED1-related conditions. ClinVar contains an entry for this variant (Variation ID: 445692). Advanced modeling of protein sequence and biophysical properties (such as structural, functional, and spatial information, amino acid conservation, physicochemical variation, residue mobility, and thermodynamic stability) performed at Invitae indicates that this missense variant is not expected to disrupt SPRED1 protein function with a negative predictive value of 80%. In summary, the available evidence is currently insufficient to determine the role of this variant in disease. Therefore, it has been classified as a Variant of Uncertain Significance.

Center for Pediatric Genomic Medicine, Children's Mercy Hospital and Clinics
Classification: Uncertain significance. Last evaluated: 2017-05-30. Review status: criteria provided, single submitter. Criteria: ACMG Guidelines, 2015. Collection method: clinical testing. Allele origin: germline.